The following is an entry in ClinVar:

NM_021096.4(CACNA1I):c.2372G>A (p.Arg791His)

Gene: CACNA1I (calcium voltage-gated channel subunit alpha1 I; plus strand). Cytogenetic location: 22q13.1.
Variant type: single nucleotide variant.
Coding change: c.2372G>A on transcript NM_021096.4 (MANE Select); coding-DNA position 2372, G replaced by A.
Protein change: p.Arg791His; replaces arginine 791 with histidine.
Molecular consequence: missense variant.
Genome position (GRCh38, 1-based): chr22:39,659,474, G>A. VCF-style: chr22-39659474-G-A. GRCh37 (hg19) VCF-style: chr22-40055479-G-A.
Other names: c.2267G>A, p.Arg756His (NM_001003406.2); short protein forms R791H, R756H.
Identifiers: ClinVar variation 3136422 (VCV003136422.4), dbSNP rs557580252, ClinGen allele CA10244147.
Genomic context (GRCh38, chr22:39,659,474, plus strand): 5'-TCTTCCATCCTTTCCCCAGCATCCTTGGGATGCATATTTTTGGCTGCAAGTTCAGCCTCC[G>A]CACGGACACTGGAGACACGGTGCCCGACAGGAAGAACTTCGACTCCCTGCTGTGGGCCAT-3'
Protein context (NP_066919.2, residues 781-801): MHIFGCKFSL[Arg791His]TDTGDTVPDR

ClinVar aggregate classification (germline): Uncertain significance. Review status: criteria provided, multiple submitters, no conflicts (2 of 4 stars). 2 submissions from 2 submitters: Uncertain significance (2). Last evaluated 2025-08-07.

Allele frequency attached by ClinVar (database versions not stated): gnomAD exomes 0.00002; 1000 Genomes Project 0.00020; 1000 Genomes Project 30x 0.00031.

Submissions (2):

Ambry Genetics
Classification: Uncertain significance. Last evaluated: 2025-08-07. Review status: criteria provided, single submitter. Criteria: Ambry Variant Classification Scheme 2023. Collection method: clinical testing. Allele origin: germline.

Dasa
Classification: Uncertain significance. Last evaluated: 2025-02-18. Review status: criteria provided, single submitter. Criteria: DASA Assertion Criteria. Collection method: clinical testing. Allele origin: germline.
Comment: NM_021096.4(CACNA1I):c.2372G>A (p.Arg791His) is a missense variant that results in the substitution of arginine with histidine. This variant is rare in population databases. The currently available literature and clinical evidence are not sufficient to establish a definitive association between this variant and the reported condition. Therefore, this variant is classified as a variant of uncertain significance.